The following is an entry in ClinVar:

ClinVar aggregate classification (germline): Uncertain significance (1 of 4 stars; one submission).

gnomAD v4.1: 2 of 1,614,074 alleles (0.00012%); no homozygotes.

Submission:

Labcorp Genetics (formerly Invitae), Labcorp
Classification: Uncertain significance. Last evaluated: 2024-12-08. Review status: criteria provided, single submitter. Criteria: Invitae Variant Classification Sherloc (09022015). Collection method: clinical testing. Allele origin: germline.
Comment: This sequence change replaces glutamine, which is neutral and polar, with proline, which is neutral and non-polar, at codon 523 of the ACOX2 protein (p.Gln523Pro). This variant is present in population databases (rs775960635, gnomAD 0.03%). This variant has not been reported in the literature in individuals affected with ACOX2-related conditions. Invitae Evidence Modeling of protein sequence and biophysical properties (such as structural, functional, and spatial information, amino acid conservation, physicochemical variation, residue mobility, and thermodynamic stability) indicates that this missense variant is not expected to disrupt ACOX2 protein function with a negative predictive value of 80%. In summary, the available evidence is currently insufficient to determine the role of this variant in disease. Therefore, it has been classified as a Variant of Uncertain Significance.

NM_003500.4(ACOX2):c.1568A>C (p.Gln523Pro)

Gene: ACOX2 (acyl-CoA oxidase 2; minus strand). Cytogenetic location: 3p14.3.
Variant type: single nucleotide variant.
Coding change: c.1568A>C on transcript NM_003500.4 (MANE Select); coding-DNA position 1568, A replaced by C.
Protein change: p.Gln523Pro; replaces glutamine 523 with proline.
Molecular consequence: missense variant.
Genome position (GRCh38, 1-based): chr3:58,522,560, T>G on the plus strand (A>C on the coding strand, the complement: ACOX2 is on the minus strand). VCF-style: chr3-58522560-T-G. GRCh37 (hg19) VCF-style: chr3-58508287-T-G.
Other names: short protein forms Q523P.
Identifiers: ClinVar variation 3681470 (VCV003681470.2).